The following is an entry in ClinVar:

NM_004211.5(SLC6A5):c.2335del (p.Thr779fs)

Gene: SLC6A5 (solute carrier family 6 member 5; plus strand). Cytogenetic location: 11p15.1.
Variant type: Deletion.
Coding change: c.2335del on transcript NM_004211.5 (MANE Select); coding-DNA position 2335, one base deleted (A; older notation c.2335delA).
Protein change: p.Thr779fs; shifts the reading frame from threonine 779.
Molecular consequence: frameshift variant.
Genome position (GRCh38, 1-based): chr11:20,654,809, A deleted; the last of 2 consecutive A bases (chr11:20,654,808-20,654,809); deleting either gives the same sequence. VCF-style (leftmost placement, unchanged base first): chr11-20654807-GA-G. GRCh37 (hg19) VCF-style: chr11-20676353-GA-G.
Other names: c.1633del, p.Thr545fs (NM_001318369.2); short protein forms T545fs, T779fs.
Identifiers: ClinVar variation 1379075 (VCV001379075.3), dbSNP rs2133827681, ClinGen allele CA2573146295.

ClinVar aggregate classification (germline): Uncertain significance (1 of 4 stars; one submission).

Conditions:
Hyperekplexia 3 (HKPX3). Also called: HYPEREKPLEXIA 3, AUTOSOMAL RECESSIVE; HYPEREKPLEXIA 3, AUTOSOMAL DOMINANT. Identifiers: Orphanet 3197, MedGen C3553288, MONDO:0013827, OMIM 614618.

Submission:

Labcorp Genetics (formerly Invitae), Labcorp
Classification: Uncertain significance for Hyperekplexia 3. Last evaluated: 2022-07-14. Review status: criteria provided, single submitter. Criteria: Invitae Variant Classification Sherloc (09022015). Collection method: clinical testing. Allele origin: germline.
Comment: This sequence change creates a premature translational stop signal (p.Thr779Profs*10) in the SLC6A5 gene. While this is not anticipated to result in nonsense mediated decay, it is expected to disrupt the last 19 amino acid(s) of the SLC6A5 protein. This variant is not present in population databases (gnomAD no frequency). This variant has not been reported in the literature in individuals affected with SLC6A5-related conditions. ClinVar contains an entry for this variant (Variation ID: 1379075). Experimental studies and prediction algorithms are not available or were not evaluated, and the functional significance of this variant is currently unknown. In summary, the available evidence is currently insufficient to determine the role of this variant in disease. Therefore, it has been classified as a Variant of Uncertain Significance.